The following is an entry in ClinVar:

ClinVar aggregate classification (germline): Uncertain significance. Review status: criteria provided, multiple submitters, no conflicts (2 of 4 stars). 2 submissions from 2 submitters: Uncertain significance (2). Last evaluated 2025-01-27.

Submissions (2):

Women's Health and Genetics/Laboratory Corporation of America, LabCorp
Classification: Uncertain significance. Last evaluated: 2025-01-27. Review status: criteria provided, single submitter. Criteria: LabCorp Variant Classification Summary - May 2015. Collection method: clinical testing. Allele origin: germline.

Labcorp Genetics (formerly Invitae), Labcorp
Classification: Uncertain significance. Last evaluated: 2022-03-10. Review status: criteria provided, single submitter. Criteria: Invitae Variant Classification Sherloc (09022015). Collection method: clinical testing. Allele origin: germline.
Comment: This sequence change replaces phenylalanine, which is neutral and non-polar, with leucine, which is neutral and non-polar, at codon 1484 of the COL7A1 protein (p.Phe1484Leu). This variant is not present in population databases (gnomAD no frequency). This variant has not been reported in the literature in individuals affected with COL7A1-related conditions. Advanced modeling of protein sequence and biophysical properties (such as structural, functional, and spatial information, amino acid conservation, physicochemical variation, residue mobility, and thermodynamic stability) performed at Invitae indicates that this missense variant is not expected to disrupt COL7A1 protein function. In summary, the available evidence is currently insufficient to determine the role of this variant in disease. Therefore, it has been classified as a Variant of Uncertain Significance.

NM_000094.4(COL7A1):c.4450T>C (p.Phe1484Leu)

Gene: COL7A1 (collagen type VII alpha 1 chain; minus strand). Cytogenetic location: 3p21.31.
Variant type: single nucleotide variant.
Coding change: c.4450T>C on transcript NM_000094.4 (MANE Select); coding-DNA position 4450, T replaced by C.
Protein change: p.Phe1484Leu; replaces phenylalanine 1484 with leucine.
Molecular consequence: missense variant.
Genome position (GRCh38, 1-based): chr3:48,583,159, A>G on the plus strand (T>C on the coding strand, the complement: COL7A1 is on the minus strand). VCF-style: chr3-48583159-A-G. GRCh37 (hg19) VCF-style: chr3-48620592-A-G.
Other names: short protein forms F1484L.
Identifiers: ClinVar variation 2108581 (VCV002108581.3), dbSNP rs2531137847, ClinGen allele CA352691357.